The following is an entry in ClinVar:

ClinVar aggregate classification (germline): Uncertain significance (1 of 4 stars; one submission).

Conditions:
LAMA2-related muscular dystrophy (LAMA2-RD). Also called: Laminin alpha 2-related dystrophy. Identifiers: MedGen C5679788, MONDO:0100228.

Submission:

Myriad Genetics, Inc.
Classification: Uncertain significance for LAMA2-related muscular dystrophy. Last evaluated: 2026-07-21. Review status: criteria provided, single submitter. Criteria: Myriad Autosomal Dominant, Autosomal Recessive and X-Linked Classification Criteria (2023). Collection method: clinical testing. Allele origin: unknown.
Comment: NM_000426.3(LAMA2):c.737A>C(Q246P) is a missense variant classified as a variant of uncertain significance in the context of muscular dystrophy, LAMA2-related. Q246P has not been observed in cases with relevant disease. Relevant functional assessments of this variant are not available in the literature. Q246P has not been observed in referenced population frequency databases. In summary, there is insufficient evidence to classify NM_000426.3(LAMA2):c.737A>C(Q246P) as pathogenic or benign. Please note: this variant was assessed in the context of healthy population screening.

NM_000426.4(LAMA2):c.737A>C (p.Gln246Pro)

Gene: LAMA2 (laminin subunit alpha 2; plus strand). Cytogenetic location: 6q22.33.
Variant type: single nucleotide variant.
Coding change: c.737A>C on transcript NM_000426.4 (MANE Select); coding-DNA position 737, A replaced by C.
Protein change: p.Gln246Pro; replaces glutamine 246 with proline.
Molecular consequence: missense variant.
Genome position (GRCh38, 1-based): chr6:129,143,998, A>C. VCF-style: chr6-129143998-A-C. GRCh37 (hg19) VCF-style: chr6-129465143-A-C.
Other names: c.737A>C, p.Gln246Pro (NM_001079823.2); short protein forms Q246P.
Identifiers: ClinVar variation 5003486 (VCV005003486.1).